The following is an entry in ClinVar:

ClinVar aggregate classification (germline): Uncertain significance (1 of 4 stars; one submission).

Conditions:
Inborn genetic diseases. Identifiers: MedGen C0950123, MeSH D030342.

Submission:

Ambry Genetics
Classification: Uncertain significance for Inborn genetic diseases. Last evaluated: 2025-02-14. Review status: criteria provided, single submitter. Criteria: Ambry Variant Classification Scheme 2023. Collection method: clinical testing. Allele origin: germline.
Comment: The p.E635D variant (also known as c.1905G>T), located in coding exon 13 of the ASXL1 gene, results from a G to T substitution at nucleotide position 1905. The glutamic acid at codon 635 is replaced by aspartic acid, an amino acid with highly similar properties. This amino acid position is conserved. In addition, this alteration is predicted to be tolerated by in silico analysis. Based on the available evidence, the clinical significance of this variant remains unclear.

NM_015338.6(ASXL1):c.1905G>T (p.Glu635Asp)

Gene: ASXL1 (ASXL transcriptional regulator 1; plus strand). Cytogenetic location: 20q11.21.
Variant type: single nucleotide variant.
Coding change: c.1905G>T on transcript NM_015338.6 (MANE Select); coding-DNA position 1905, G replaced by T.
Protein change: p.Glu635Asp; replaces glutamic acid 635 with aspartic acid.
Molecular consequence: missense variant.
Genome position (GRCh38, 1-based): chr20:32,434,617, G>T. VCF-style: chr20-32434617-G-T. GRCh37 (hg19) VCF-style: chr20-31022420-G-T.
Other names: c.1722G>T, p.Glu574Asp (NM_001363734.1); short protein forms E574D, E635D.
Identifiers: ClinVar variation 3793526 (VCV003793526.1).